The following is an entry in ClinVar:

NM_014714.4(IFT140):c.2935G>A (p.Glu979Lys)

Genes: IFT140 (intraflagellar transport 140; minus strand), LOC126862260 (CDK7 strongly-dependent group 2 enhancer GRCh37_chr16:1574508-1575707; plus strand). Cytogenetic location: 16p13.3.
Variant type: single nucleotide variant.
Coding change: c.2935G>A on transcript NM_014714.4 (MANE Select); coding-DNA position 2935, G replaced by A.
Protein change: p.Glu979Lys; replaces glutamic acid 979 with lysine.
Molecular consequence: missense variant.
Genome position (GRCh38, 1-based): chr16:1,524,846, C>T on the plus strand (G>A on the coding strand, the complement: IFT140 is on the minus strand). VCF-style: chr16-1524846-C-T. GRCh37 (hg19) VCF-style: chr16-1574847-C-T.
Other names: short protein forms E979K.
Identifiers: ClinVar variation 318040 (VCV000318040.17), dbSNP rs146277966, ClinGen allele CA7813415.
Genomic context (GRCh38, chr16:1,524,846, plus strand): 5'-TCTGGACATTGCCCTGGAAGCAGTGGATGCGGACCAGGGAGAAGTGGTCCCGGGCCAGCT[C>T]GTAGTAGTGCAGCGCGGCGTCCATCTCGCCCTGGCTCTCCAGGTACTGCGCCCACCACCG-3'
Protein context (NP_055529.2, residues 969-989): GEMDAALHYY[Glu979Lys]LARDHFSLVR

ClinVar aggregate classification (germline): Conflicting classifications of pathogenicity. Review status: criteria provided, conflicting classifications (1 of 4 stars). 6 submissions from 6 submitters: Uncertain significance (4); Likely benign (2). Last evaluated 2026-09-14.

Conditions:
Saldino-Mainzer syndrome (SRTD9). Also called: short-rib thoracic dysplasia 9 with or without polydactyly; SHORT-RIB THORACIC DYSPLASIA 9 WITHOUT POLYDACTYLY; Renal dysplasia, retinal pigmentary dystrophy, cerebellar ataxia and skeletal dysplasia; CONORENAL SYNDROME. Identifiers: Orphanet 140969, MedGen C1849437, MONDO:0009964, OMIM 266920.
Retinitis pigmentosa 80 (RP80). Identifiers: MedGen C4540439, MONDO:0054708, OMIM 617781.
IFT140-related disorder. Also called: IFT140-related condition.
Retinal dystrophy. Also called: Inherited retinal dystrophy. Identifiers: HP:0000556, Orphanet 71862, MedGen C0854723, MeSH D058499, MONDO:0019118.

Allele frequency attached by ClinVar (database versions not stated): gnomAD 0.00013 and 0.00014; gnomAD exomes 0.00013; TOPMed 0.00014; 1000 Genomes Project 30x 0.00016; ExAC 0.00016; 1000 Genomes Project 0.00020; ESP Exome Variant Server 0.00031.
gnomAD v4.1: 254 of 1,613,140 alleles (0.016%); highest among the groups gnomAD compares: Admixed American, 0.043%; 1 homozygote.

Submissions (6):

PreventionGenetics, part of Exact Sciences
Classification: Uncertain significance for IFT140-related condition. Last evaluated: 2026-09-14. Review status: criteria provided, single submitter. Criteria: ACMG Guidelines, 2015. Collection method: clinical testing. Allele origin: germline.
Comment: The IFT140 c.2935G>A variant is predicted to result in the amino acid substitution p.Glu979Lys. To our knowledge, this variant has not been reported in the literature. This variant is reported in 0.040% of alleles in individuals of Latino descent in gnomAD, including 1 homozygote in the most recent version of the database (v4.1), which may be too frequent to be a primary cause of disease. Although we suspect that this variant may be benign, at this time, the clinical significance of this variant is uncertain due to the absence of conclusive functional and genetic evidence.

Labcorp Genetics (formerly Invitae), Labcorp
Classification: Uncertain significance for Saldino-Mainzer syndrome. Last evaluated: 2026-01-04. Review status: criteria provided, single submitter. Criteria: Invitae Variant Classification Sherloc (09022015). Collection method: clinical testing. Allele origin: germline.
Comment: This sequence change replaces glutamic acid, which is acidic and polar, with lysine, which is basic and polar, at codon 979 of the IFT140 protein (p.Glu979Lys). This variant is present in population databases (rs146277966, gnomAD 0.04%). This variant has not been reported in the literature in individuals affected with IFT140-related conditions. ClinVar contains an entry for this variant (Variation ID: 318040). Invitae Evidence Modeling of protein sequence and biophysical properties (such as structural, functional, and spatial information, amino acid conservation, physicochemical variation, residue mobility, and thermodynamic stability) indicates that this missense variant is not expected to disrupt IFT140 protein function with a negative predictive value of 80%. In summary, the available evidence is currently insufficient to determine the role of this variant in disease. Therefore, it has been classified as a Variant of Uncertain Significance.

Fulgent Genetics
Classification: Likely benign for Saldino-Mainzer syndrome; Retinitis pigmentosa 80. Last evaluated: 2024-03-13. Review status: criteria provided, single submitter. Criteria: ACMG Guidelines, 2015. Collection method: clinical testing. Allele origin: germline.

Blueprint Genetics
Classification: Likely benign. Last evaluated: 2024-02-02. Review status: criteria provided, single submitter. Criteria: ACMG Guidelines, 2015. Collection method: clinical testing. Allele origin: germline.

Dept Of Ophthalmology, Nagoya University
Classification: Uncertain significance for Retinal dystrophy. Last evaluated: 2023-10-01. Review status: criteria provided, single submitter. Criteria: Submitter's publication. Collection method: research. Allele origin: germline. Affected: yes.

Illumina Laboratory Services, Illumina
Classification: Uncertain significance for Saldino-Mainzer syndrome. Last evaluated: 2018-01-12. Review status: criteria provided, single submitter. Criteria: ICSL Variant Classification Criteria 13 December 2019. Collection method: clinical testing. Allele origin: germline.